The following is an entry in ClinVar:

NM_032242.4(PLXNA1):c.1378-5C>T

Gene: PLXNA1 (plexin A1; plus strand). Cytogenetic location: 3q21.3.
Variant type: single nucleotide variant.
Coding change: c.1378-5C>T on transcript NM_032242.4 (MANE Select); 5 bases into the intron before coding-DNA position 1378, C replaced by T.
Molecular consequence: intron variant.
Genome position (GRCh38, 1-based): chr3:127,003,325, C>T. VCF-style: chr3-127003325-C-T. GRCh37 (hg19) VCF-style: chr3-126722168-C-T.
Identifiers: ClinVar variation 4977649 (VCV004977649.1).

ClinVar aggregate classification (germline): Likely benign (1 of 4 stars; one submission).

Conditions:
PLXNA1-related disorder. Also called: PLXNA1-related condition.

gnomAD v4.1: 7 of 1,587,736 alleles (0.00044%); highest among the groups gnomAD compares: South Asian, 0.0045%; no homozygotes.

Submission:

PreventionGenetics, part of Exact Sciences
Classification: Likely benign for PLXNA1-related condition. Last evaluated: 2026-05-05. Review status: criteria provided, single submitter. Criteria: ACMG Guidelines, 2015. Collection method: clinical testing. Allele origin: germline.
Comment: This variant is classified as likely benign based on ACMG/AMP sequence variant interpretation guidelines (Richards et al. 2015 PMID: 25741868, with internal and published modifications).